The following is an entry in ClinVar:

NM_030665.4(RAI1):c.834GCA[6] (p.Gln285_Gln291del)

Gene: RAI1 (retinoic acid induced 1; plus strand). Cytogenetic location: 17p11.2.
Variant type: Microsatellite.
Coding change: c.834GCA[6] on transcript NM_030665.4 (MANE Select); six copies in a row of the 3-base unit GCA starting at c.834; the reference has 13 copies in a row; seven copies, 21 bases deleted.
Protein change: p.Gln285_Gln291del.
Molecular consequence: inframe deletion.
Genome position (GRCh38, 1-based): chr17:17,793,800-17,793,820, GCAGCAGCAGCAGCAGCAGCA deleted; deleting any 21 consecutive bases within chr17:17,793,780-17,793,820 gives the same sequence; the position shown is the placement nearest the transcript's 3' end. VCF-style (leftmost placement, unchanged base first): chr17-17793779-CCAGCAGCAGCAGCAGCAGCAG-C. GRCh37 (hg19) VCF-style: chr17-17697093-CCAGCAGCAGCAGCAGCAGCAG-C.
Other names: c.852_872del21 (NM_030665.3).
Identifiers: ClinVar variation 96200 (VCV000096200.44), dbSNP rs371983878, ClinGen allele CA223811.

ClinVar aggregate classification (germline): Conflicting classifications of pathogenicity. Review status: criteria provided, conflicting classifications (1 of 4 stars). 7 submissions from 7 submitters: Uncertain significance (1); Benign (1); Likely benign (4). 1 of the submissions does not count toward it. Last evaluated 2026-01-27.

Conditions:
RAI1-related disorder. Also called: RAI1-related condition.
Inborn genetic diseases. Identifiers: MedGen C0950123, MeSH D030342.

Submissions (7):

Labcorp Genetics (formerly Invitae), Labcorp
Classification: Likely benign. Last evaluated: 2026-01-27. Review status: criteria provided, single submitter. Criteria: Invitae Variant Classification Sherloc (09022015). Collection method: clinical testing. Allele origin: germline.

CeGaT Center for Human Genetics Tuebingen
Classification: Likely benign. Last evaluated: 2025-04-01. Review status: criteria provided, single submitter. Criteria: CeGaT Center For Human Genetics Tuebingen Variant Classification Criteria Version 2. Collection method: clinical testing. Allele origin: germline. Affected: yes. Observed: 4 variant alleles.
Comment: RAI1: BS1

Blueprint Genetics
Classification: Likely benign. Last evaluated: 2024-11-25. Review status: criteria provided, single submitter. Criteria: ACMG Guidelines, 2015. Collection method: clinical testing. Allele origin: germline.

GeneDx
Classification: Benign. Last evaluated: 2020-04-20. Review status: criteria provided, single submitter. Criteria: GeneDx Variant Classification Process June 2021. Collection method: clinical testing. Allele origin: germline. Affected: yes.

Ambry Genetics
Classification: Likely benign for Inborn genetic diseases. Last evaluated: 2019-01-14. Review status: criteria provided, single submitter. Criteria: Ambry Variant Classification Scheme 2023. Collection method: clinical testing. Allele origin: germline.

Eurofins Ntd Llc (ga)
Classification: Uncertain significance. Last evaluated: 2013-09-13. Review status: criteria provided, single submitter. Criteria: EGL Classification Definitions 2015. Collection method: clinical testing. Allele origin: germline.

PreventionGenetics, part of Exact Sciences
Classification: Likely benign for RAI1-related condition. Last evaluated: 2022-04-06. Review status: no assertion criteria provided. Collection method: clinical testing. Allele origin: germline. Not counted in ClinVar's aggregate classification.
Comment: This variant is classified as likely benign based on ACMG/AMP sequence variant interpretation guidelines (Richards et al. 2015 PMID: 25741868, with internal and published modifications).

Literature cited by the submitters: PubMed 17041942 (cited by Ambry Genetics); PubMed 21168224 (cited by Ambry Genetics); PubMed 24751306 (cited by Ambry Genetics).